The following is an entry in ClinVar:

NM_000180.4(GUCY2D):c.2917G>A (p.Val973Met)

Gene: GUCY2D (guanylate cyclase 2D, retinal; plus strand). Cytogenetic location: 17p13.1.
Variant type: single nucleotide variant.
Coding change: c.2917G>A on transcript NM_000180.4 (MANE Select); coding-DNA position 2917, G replaced by A.
Protein change: p.Val973Met; replaces valine 973 with methionine.
Molecular consequence: missense variant.
Genome position (GRCh38, 1-based): chr17:8,015,475, G>A. VCF-style: chr17-8015475-G-A. GRCh37 (hg19) VCF-style: chr17-7918793-G-A.
Other names: c.2917G>A (NM_000180.3); short protein forms V973M.
Identifiers: ClinVar variation 2938260 (VCV002938260.4), dbSNP rs181567056, ClinGen allele CA8366253.

ClinVar aggregate classification (germline): Uncertain significance. Review status: criteria provided, multiple submitters, no conflicts (2 of 4 stars). 2 submissions from 2 submitters: Uncertain significance (2). Last evaluated 2025-09-18.

Conditions:
Leber congenital amaurosis 1 (LCA1). Also called: Congenital absence of the rods and cones; Leber's congenital tapetoretinal degeneration; Leber's congenital tapetoretinal dysplasia; RETINAL BLINDNESS, CONGENITAL; AMAUROSIS CONGENITA OF LEBER I. Identifiers: Orphanet 65, MedGen C2931258, MONDO:0008764, OMIM 204000.
Cone-rod dystrophy 6 (CORD6). Also called: Cone dystrophy progressive; RETINAL CONE DYSTROPHY 2. Identifiers: Orphanet 1872, MedGen C1866293, MONDO:0011143, OMIM 601777.
GUCY2D-related disorder. Also called: GUCY2D-related condition.

Allele frequency attached by ClinVar (database versions not stated): ESP Exome Variant Server 0.00008.

Submissions (2):

PreventionGenetics, part of Exact Sciences
Classification: Uncertain significance for GUCY2D-related condition. Last evaluated: 2025-09-18. Review status: criteria provided, single submitter. Criteria: ACMG Guidelines, 2015. Collection method: clinical testing. Allele origin: germline.
Comment: The GUCY2D c.2917G>A variant is predicted to result in the amino acid substitution p.Val973Met. To our knowledge, this variant has not been reported in the literature. This variant is present in 0.012% of alleles in individuals of African descent in gnomAD. At this time, the clinical significance of this variant is uncertain due to the absence of conclusive functional and genetic evidence.

Labcorp Genetics (formerly Invitae), Labcorp
Classification: Uncertain significance for Leber congenital amaurosis 1; Cone-rod dystrophy 6. Last evaluated: 2024-09-01. Review status: criteria provided, single submitter. Criteria: Invitae Variant Classification Sherloc (09022015). Collection method: clinical testing. Allele origin: germline.
Comment: This sequence change replaces valine, which is neutral and non-polar, with methionine, which is neutral and non-polar, at codon 973 of the GUCY2D protein (p.Val973Met). This variant is present in population databases (rs181567056, gnomAD 0.01%). This variant has not been reported in the literature in individuals affected with GUCY2D-related conditions. Invitae Evidence Modeling of protein sequence and biophysical properties (such as structural, functional, and spatial information, amino acid conservation, physicochemical variation, residue mobility, and thermodynamic stability) indicates that this missense variant is not expected to disrupt GUCY2D protein function with a negative predictive value of 80%. In summary, the available evidence is currently insufficient to determine the role of this variant in disease. Therefore, it has been classified as a Variant of Uncertain Significance.